The following is an entry in ClinVar:

NM_000257.4(MYH7):c.4025T>C (p.Leu1342Pro)

Gene: MYH7 (myosin heavy chain 7; minus strand). Cytogenetic location: 14q11.2.
Variant type: single nucleotide variant.
Coding change: c.4025T>C on transcript NM_000257.4 (MANE Select); coding-DNA position 4025, T replaced by C.
Protein change: p.Leu1342Pro; replaces leucine 1342 with proline.
Molecular consequence: missense variant.
Genome position (GRCh38, 1-based): chr14:23,418,354, A>G on the plus strand (T>C on the coding strand, the complement: MYH7 is on the minus strand). VCF-style: chr14-23418354-A-G. GRCh37 (hg19) VCF-style: chr14-23887563-A-G.
Other names: c.4025T>C, p.Leu1342Pro (NM_001407004.1); short protein forms L1342P.
Identifiers: ClinVar variation 3365361 (VCV003365361.1).

ClinVar aggregate classification (germline): Uncertain significance (1 of 4 stars; one submission).

Submission:

GeneDx
Classification: Uncertain significance. Last evaluated: 2023-12-08. Review status: criteria provided, single submitter. Criteria: GeneDx Variant Classification Process June 2021. Collection method: clinical testing. Allele origin: germline. Affected: yes.
Comment: Has not been previously published as pathogenic or benign to our knowledge; Not observed at significant frequency in large population cohorts (gnomAD); In silico analysis supports that this missense variant has a deleterious effect on protein structure/function